The following is an entry in ClinVar:

NM_001761.3(CCNF):c.1018C>T (p.Arg340Trp)

Gene: CCNF (cyclin F; plus strand). Cytogenetic location: 16p13.3.
Variant type: single nucleotide variant.
Coding change: c.1018C>T on transcript NM_001761.3 (MANE Select); coding-DNA position 1018, C replaced by T.
Protein change: p.Arg340Trp; replaces arginine 340 with tryptophan.
Molecular consequence: missense variant.
Genome position (GRCh38, 1-based): chr16:2,445,546, C>T. VCF-style: chr16-2445546-C-T. GRCh37 (hg19) VCF-style: chr16-2495547-C-T.
Other names: c.94C>T, p.Arg32Trp (NM_001323538.2); short protein forms R32W, R340W.
Identifiers: ClinVar variation 5039607 (VCV005039607.1).

ClinVar aggregate classification (germline): Uncertain significance (1 of 4 stars; one submission).

gnomAD v4.1: 34 of 1,613,914 alleles (0.0021%); highest among the groups gnomAD compares: South Asian, 0.0033%; no homozygotes.

Submission:

CeGaT Center for Human Genetics Tuebingen
Classification: Uncertain significance. Last evaluated: 2026-08-01. Review status: criteria provided, single submitter. Criteria: CeGaT Center For Human Genetics Tuebingen Variant Classification Criteria Version 2. Collection method: clinical testing. Allele origin: germline. Affected: yes. Observed: 1 variant allele.
Comment: CCNF: PM2:Supporting